The following is an entry in ClinVar:

ClinVar aggregate classification (germline): Uncertain significance. Review status: criteria provided, multiple submitters, no conflicts (2 of 4 stars). 5 submissions from 4 submitters: Uncertain significance (5). Last evaluated 2026-07-06.

Conditions:
RYR1-related disorder. Also called: RYR1-related condition; RYR1-related disorders. Identifiers: MedGen CN239331.
Inborn genetic diseases. Identifiers: MedGen C0950123, MeSH D030342.
Congenital multicore myopathy with external ophthalmoplegia (CMYO1B). Also called: Congenital myopathy 1B, autosomal recessive; Minicore myopathy; MULTIMINICORE DISEASE WITH EXTERNAL OPHTHALMOPLEGIA; MULTICORE MYOPATHY; Minicore myopathy with external ophthalmoplegia. Identifiers: Orphanet 598, Orphanet 98905, MedGen C1850674, MONDO:0009712, OMIM 255320, HP:0003789.
Malignant hyperthermia, susceptibility to, 1 (MHS1). Also called: Anesthesia related hyperthermia; Malignant hyperpyrexia; Fulminating hyperpyrexia; Pharmacogenic myopathy; Malignant hyperthermia suceptibility 1; RYR1-Related Malignant Hyperthermia Susceptibility. Identifiers: Orphanet 423, MedGen C2930980, MONDO:0007783, OMIM 145600.

Allele frequency attached by ClinVar (database versions not stated): TOPMed below 0.00001; gnomAD below 0.00001 and 0.00001; gnomAD exomes 0.00004; ExAC 0.00005.
gnomAD v4.1: 64 of 1,592,244 alleles (0.004%); highest among the groups gnomAD compares: South Asian, 0.064%; no homozygotes.

Submissions (5):

Ambry Genetics
Classification: Uncertain significance for Inborn genetic diseases. Last evaluated: 2026-07-06. Review status: criteria provided, single submitter. Criteria: Ambry Variant Classification Scheme 2023. Collection method: clinical testing. Allele origin: germline.
Comment: The p.E2088K variant (also known as c.6262G>A), located in coding exon 38 of the RYR1 gene, results from a G to A substitution at nucleotide position 6262. The glutamic acid at codon 2088 is replaced by lysine, an amino acid with similar properties. This amino acid position is conserved. In addition, this alteration is predicted to be tolerated by in silico analysis. Based on the available evidence, the clinical significance of this variant remains unclear.

Labcorp Genetics (formerly Invitae), Labcorp
Classification: Uncertain significance for RYR1-related disorder. Last evaluated: 2026-01-19. Review status: criteria provided, single submitter. Criteria: Invitae Variant Classification Sherloc (09022015). Collection method: clinical testing. Allele origin: germline.
Comment: This sequence change replaces glutamic acid, which is acidic and polar, with lysine, which is basic and polar, at codon 2088 of the RYR1 protein (p.Glu2088Lys). This variant is present in population databases (rs587784378, gnomAD 0.04%). This variant has not been reported in the literature in individuals affected with RYR1-related conditions. ClinVar contains an entry for this variant (Variation ID: 159855). Invitae Evidence Modeling of protein sequence and biophysical properties (such as structural, functional, and spatial information, amino acid conservation, physicochemical variation, residue mobility, and thermodynamic stability) indicates that this missense variant is not expected to disrupt RYR1 protein function with a negative predictive value of 80%. In summary, the available evidence is currently insufficient to determine the role of this variant in disease. Therefore, it has been classified as a Variant of Uncertain Significance.

Illumina Laboratory Services, Illumina
Classification: Uncertain significance for Congenital multicore myopathy with external ophthalmoplegia. Last evaluated: 2018-01-12. Review status: criteria provided, single submitter. Criteria: ICSL Variant Classification Criteria 13 December 2019. Collection method: clinical testing. Allele origin: germline.

Illumina Laboratory Services, Illumina
Classification: Uncertain significance for Malignant hyperthermia, susceptibility to, 1. Last evaluated: 2018-01-12. Review status: criteria provided, single submitter. Criteria: ICSL Variant Classification Criteria 13 December 2019. Collection method: clinical testing. Allele origin: germline.

Genetic Services Laboratory, University of Chicago
Classification: Uncertain significance. Last evaluated: 2014-02-25. Review status: criteria provided, single submitter. Criteria: ACMG Guidelines, 2007. Collection method: clinical testing. Allele origin: germline. Inheritance: Autosomal unknown.

NM_000540.3(RYR1):c.6262G>A (p.Glu2088Lys)

Gene: RYR1 (ryanodine receptor 1; plus strand). Cytogenetic location: 19q13.2.
Variant type: single nucleotide variant.
Coding change: c.6262G>A on transcript NM_000540.3 (MANE Select); coding-DNA position 6262, G replaced by A.
Protein change: p.Glu2088Lys; replaces glutamic acid 2088 with lysine.
Molecular consequence: missense variant.
Genome position (GRCh38, 1-based): chr19:38,492,624, G>A. VCF-style: chr19-38492624-G-A. GRCh37 (hg19) VCF-style: chr19-38983264-G-A.
Other names: c.6262G>A, p.Glu2088Lys (NM_001042723.2); short protein forms E2088K.
Identifiers: ClinVar variation 159855 (VCV000159855.20), dbSNP rs587784378, ClinGen allele CA024560.